The following is an entry in ClinVar:

ClinVar aggregate classification (germline): Likely benign (1 of 4 stars; one submission).

Allele frequency attached by ClinVar (database versions not stated): ExAC 0.00006; gnomAD 0.00002; gnomAD exomes 0.00002.
gnomAD v4.1: 29 of 1,613,994 alleles (0.0018%); highest among the groups gnomAD compares: Non-Finnish European, 0.0025%; no homozygotes.

Submission:

CeGaT Center for Human Genetics Tuebingen
Classification: Likely benign. Last evaluated: 2022-11-01. Review status: criteria provided, single submitter. Criteria: CeGaT Center For Human Genetics Tuebingen Variant Classification Criteria Version 2. Collection method: clinical testing. Allele origin: germline. Affected: yes. Observed: 1 variant allele.
Comment: HSP90AA1: BP4, BP7

NM_001017963.3(HSP90AA1):c.141G>A (p.Pro47=)

Gene: HSP90AA1 (heat shock protein 90 alpha family class A member 1; minus strand). Cytogenetic location: 14q32.31.
Variant type: single nucleotide variant.
Coding change: c.141G>A on transcript NM_001017963.3; coding-DNA position 141, G replaced by A.
Protein change: p.Pro47=; no amino-acid change (proline 47 retained).
Molecular consequence: synonymous variant.
Genome position (GRCh38, 1-based): chr14:102,139,264, C>T on the plus strand (G>A on the coding strand, the complement: HSP90AA1 is on the minus strand). VCF-style: chr14-102139264-C-T. GRCh37 (hg19) VCF-style: chr14-102605601-C-T.
Identifiers: ClinVar variation 2644577 (VCV002644577.22), dbSNP rs769362749, ClinGen allele CA7355364.
Genomic context (GRCh38, chr14:102,139,264, plus strand): 5'-CCTGAAATAAAACATAGTGAAGCGTAAATCTTGAGTCCCTTGGTACCTTCTCAGAAACGG[C>T]GGCGAGGAGGCTTCAGAGGGGCTTCCTGGGCGGGGATCCAGACGGTCGCGCGGGTATTCA-3'